The following is an entry in ClinVar:

ClinVar aggregate classification (germline): Uncertain significance (1 of 4 stars; one submission).

Allele frequency attached by ClinVar (database versions not stated): gnomAD exomes below 0.00001.
gnomAD v4.1: 1 of 1,614,172 alleles (0.000062%); highest among the groups gnomAD compares: Non-Finnish European, 0.000085%; no homozygotes.

Submission:

Athena Diagnostics
Classification: Uncertain significance. Last evaluated: 2023-06-08. Review status: criteria provided, single submitter. Criteria: Athena Diagnostics Criteria. Collection method: clinical testing. Allele origin: unknown.
Comment: Available data are insufficient to determine the clinical significance of the variant at this time. This variant has not been reported in large, multi-ethnic general populations. Computational tools predict that this variant is damaging.

NM_001378969.1(KCND3):c.980C>T (p.Ser327Phe)

Gene: KCND3 (potassium voltage-gated channel subfamily D member 3; minus strand). Cytogenetic location: 1p13.2.
Variant type: single nucleotide variant.
Coding change: c.980C>T on transcript NM_001378969.1 (MANE Select); coding-DNA position 980, C replaced by T.
Protein change: p.Ser327Phe; replaces serine 327 with phenylalanine.
Molecular consequence: missense variant.
Genome position (GRCh38, 1-based): chr1:111,981,747, G>A on the plus strand (C>T on the coding strand, the complement: KCND3 is on the minus strand). VCF-style: chr1-111981747-G-A. GRCh37 (hg19) VCF-style: chr1-112524369-G-A.
Other names: c.980C>T, p.Ser327Phe (NM_001378970.1, NM_004980.5, NM_172198.3); short protein forms S327F.
Identifiers: ClinVar variation 2684247 (VCV002684247.1), dbSNP rs2525697714, ClinGen allele CA341820933.
Genomic context (GRCh38, chr1:111,981,747, plus strand): 5'-GAGGAGCCCTTCTCGGCATAAAACATCACAGTGGCAAAGATGATGATGGCCATGGTGAGG[G>A]AGAAGAGAAGAAAGCCCAGTTCGGAGGCACAGCTCTTCAGTGTGTAGCCCAGGATCCGCA-3'
Protein context (NP_001365898.1, residues 317-337): CASELGFLLF[Ser327Phe]LTMAIIIFAT